The following is an entry in ClinVar:

NM_000836.4(GRIN2D):c.1861C>T (p.Arg621Cys)

Gene: GRIN2D (glutamate ionotropic receptor NMDA type subunit 2D; plus strand). Cytogenetic location: 19q13.33.
Variant type: single nucleotide variant.
Coding change: c.1861C>T on transcript NM_000836.4 (MANE Select); coding-DNA position 1861, C replaced by T.
Protein change: p.Arg621Cys; replaces arginine 621 with cysteine.
Molecular consequence: missense variant.
Genome position (GRCh38, 1-based): chr19:48,419,359, C>T. VCF-style: chr19-48419359-C-T. GRCh37 (hg19) VCF-style: chr19-48922616-C-T.
Other names: short protein forms R621C.
Identifiers: ClinVar variation 2958904 (VCV002958904.4), dbSNP rs766471644, ClinGen allele CA9550602.
Genomic context (GRCh38, chr19:48,419,359, plus strand): 5'-GTTTTCATCTTCGAGTACCTCAGTCCTGTTGGTTACAACCGCAGCCTGGCCACGGGCAAG[C>T]GTGAGTCCCCCTTCCTCCATCCCCCGCCTCGGAGATCCCGAACCACAGAGACAGAGAACT-3'
Protein context (NP_000827.2, residues 611-631): GYNRSLATGK[Arg621Cys]PGGSTFTIGK

ClinVar aggregate classification (germline): Uncertain significance (1 of 4 stars; one submission).

Allele frequency attached by ClinVar (database versions not stated): gnomAD 0.00001; TOPMed 0.00002.
gnomAD v4.1: 6 of 1,599,098 alleles (0.00038%); highest among the groups gnomAD compares: African/African-American, 0.0054%; no homozygotes.

Submissions (2):

Labcorp Genetics (formerly Invitae), Labcorp
Classification: Uncertain significance. Last evaluated: 2025-01-22. Review status: criteria provided, single submitter. Criteria: Invitae Variant Classification Sherloc (09022015). Collection method: clinical testing. Allele origin: germline.
Comment: This sequence change replaces arginine, which is basic and polar, with cysteine, which is neutral and slightly polar, at codon 621 of the GRIN2D protein (p.Arg621Cys). This variant is present in population databases (rs766471644, gnomAD 0.03%). This variant has not been reported in the literature in individuals affected with GRIN2D-related conditions. ClinVar contains an entry for this variant (Variation ID: 2958904). An algorithm developed to predict the effect of missense changes on protein structure and function (PolyPhen-2) suggests that this variant is likely to be disruptive. In summary, the available evidence is currently insufficient to determine the role of this variant in disease. Therefore, it has been classified as a Variant of Uncertain Significance.

Dr. Peter K. Rogan Lab, Western University
No classification provided (evidence only). Condition: Ovarian serous cystadenocarcinoma. Review status: no classification provided. Collection method: in vitro. Allele origin: not applicable. Functional consequence: retained intron. Not counted in ClinVar's aggregate classification.